The following is an entry in ClinVar:

NM_001377.3(DYNC2H1):c.8488G>A (p.Gly2830Arg)

Gene: DYNC2H1 (dynein cytoplasmic 2 heavy chain 1; plus strand). Cytogenetic location: 11q22.3.
Variant type: single nucleotide variant.
Coding change: c.8488G>A on transcript NM_001377.3 (MANE Select); coding-DNA position 8488, G replaced by A.
Protein change: p.Gly2830Arg; replaces glycine 2830 with arginine.
Molecular consequence: missense variant.
Genome position (GRCh38, 1-based): chr11:103,209,909, G>A. VCF-style: chr11-103209909-G-A. GRCh37 (hg19) VCF-style: chr11-103080638-G-A.
Other names: c.8488G>A (NM_001080463.1); c.8488G>A, p.Gly2830Arg (NM_001080463.2); short protein forms G2830R.
Identifiers: ClinVar variation 1417163 (VCV001417163.7), dbSNP rs769394385, ClinGen allele CA6254468.
Genomic context (GRCh38, chr11:103,209,909, plus strand): 5'-CATAGTGATATTCTTTTTATGTTTTAGATACCTGAAATGTTATTCAGTGAAACAGGTGGT[G>A]GAGAAAAATACAATGATAAAAAACGAAAAGAAGAAAAGAAAAAAAATTCAGGTAGTATTT-3'
Protein context (NP_001368.2, residues 2820-2840): PEMLFSETGG[Gly2830Arg]EKYNDKKRKE

ClinVar aggregate classification (germline): Uncertain significance. Review status: criteria provided, multiple submitters, no conflicts (2 of 4 stars). 3 submissions from 3 submitters: Uncertain significance (3). Last evaluated 2025-12-08.

Conditions:
Inborn genetic diseases. Identifiers: MedGen C0950123, MeSH D030342.
Jeune thoracic dystrophy. Also called: Jeune syndrome; Infantile thoracic dystrophy; Thoracic pelvic phalangeal dystrophy; Jeune's syndrome; Chondroectodermal dysplasia-like syndrome; Short-rib thoracic dysplasia. Identifiers: Orphanet 474, MedGen C0265275, MONDO:0018770.
DYNC2H1-related disorder. Also called: DYNC2H1-related condition; DYNC2H1-related disorders. Identifiers: MedGen CN378770.

Allele frequency attached by ClinVar (database versions not stated): gnomAD exomes 0.00003 and 0.00005; ExAC 0.00005; gnomAD 0.00005.
gnomAD v4.1: 49 of 1,493,238 alleles (0.0033%); highest among the groups gnomAD compares: Admixed American, 0.032%; no homozygotes.

Submissions (3):

PreventionGenetics, part of Exact Sciences
Classification: Uncertain significance for DYNC2H1-related condition. Last evaluated: 2025-12-08. Review status: criteria provided, single submitter. Criteria: ACMG Guidelines, 2015. Collection method: clinical testing. Allele origin: germline.
Comment: The DYNC2H1 c.8488G>A variant is predicted to result in the amino acid substitution p.Gly2830Arg. To our knowledge, this variant has not been reported in the literature. This variant is reported in 0.050% of alleles in individuals of Ashkenazi Jewish descent in gnomAD. At this time, the clinical significance of this variant is uncertain due to the absence of conclusive functional and genetic evidence.

Ambry Genetics
Classification: Uncertain significance for Inborn genetic diseases. Last evaluated: 2025-03-19. Review status: criteria provided, single submitter. Criteria: Ambry Variant Classification Scheme 2023. Collection method: clinical testing. Allele origin: germline.

Labcorp Genetics (formerly Invitae), Labcorp
Classification: Uncertain significance for Jeune thoracic dystrophy. Last evaluated: 2024-01-22. Review status: criteria provided, single submitter. Criteria: Invitae Variant Classification Sherloc (09022015). Collection method: clinical testing. Allele origin: germline.
Comment: This sequence change replaces glycine, which is neutral and non-polar, with arginine, which is basic and polar, at codon 2830 of the DYNC2H1 protein (p.Gly2830Arg). This variant is present in population databases (rs769394385, gnomAD 0.05%). This variant has not been reported in the literature in individuals affected with DYNC2H1-related conditions. ClinVar contains an entry for this variant (Variation ID: 1417163). Advanced modeling of protein sequence and biophysical properties (such as structural, functional, and spatial information, amino acid conservation, physicochemical variation, residue mobility, and thermodynamic stability) performed at Invitae indicates that this missense variant is not expected to disrupt DYNC2H1 protein function with a negative predictive value of 95%. In summary, the available evidence is currently insufficient to determine the role of this variant in disease. Therefore, it has been classified as a Variant of Uncertain Significance.